The following is an entry in ClinVar:

ClinVar aggregate classification (germline): Pathogenic/Likely pathogenic. Review status: criteria provided, multiple submitters, no conflicts (2 of 4 stars). 11 submissions from 11 submitters: Pathogenic (7); Likely pathogenic (2). 2 of the submissions do not count toward it. Last evaluated 2024-06-17.

Conditions:
TGFBR1-related disorder. Also called: TGFBR1-related condition.
Marfan syndrome (MFS). Also called: FBN1-Related Marfan Syndrome; Marfan syndrome, classic; MARFAN SYNDROME, TYPE I; Marfan syndrome type 1; Marfan's syndrome. Identifiers: Orphanet 284963, Orphanet 558, MedGen C0024796, MONDO:0007947, OMIM 154700.
Loeys-Dietz syndrome 1 (LDS1). Also called: TGFBR1-Related Loeys-Dietz Syndrome; FURLONG SYNDROME; AORTIC ANEURYSM, FAMILIAL THORACIC 5. Identifiers: Orphanet 60030, MedGen C4551955, MONDO:0012212, OMIM 609192.
Multiple self-healing squamous epithelioma (MSSE). Also called: MULTIPLE SELF-HEALING SQUAMOUS EPITHELIOMA, SUSCEPTIBILITY TO. Identifiers: Orphanet 65748, MedGen C0546476, MONDO:0007566, OMIM 132800.
Cardiovascular phenotype. Identifiers: MedGen CN230736.
Loeys-Dietz syndrome (LDS). Identifiers: Orphanet 60030, MedGen C2697932, MONDO:0018954.
Familial thoracic aortic aneurysm and aortic dissection (TAAD). Also called: Thoracic aortic aneurysms and dissections. Identifiers: Orphanet 91387, MedGen C4707243, MONDO:0019625.

gnomAD v4.1: 1 of 1,614,006 alleles (0.000062%); highest among the groups gnomAD compares: Non-Finnish European, 0.000085%; no homozygotes.

Submissions (11):

3billion
Classification: Pathogenic for Loeys-Dietz syndrome 1. Last evaluated: 2024-06-17. Review status: criteria provided, single submitter. Criteria: ACMG Guidelines, 2015. Collection method: clinical testing. Allele origin: germline. Affected: yes.
Comment: The variant is observed at an extremely low frequency in the gnomAD v4.0.0 dataset (total allele frequency: <0.001%). Predicted Consequence/Location: Missense variant In silico tool predictions suggest damaging effect of the variant on gene or gene product [REVEL: 0.81 (>=0.6, sensitivity 0.68 and specificity 0.92); 3Cnet: NA (>=0.6, sensitivity 0.72 and precision 0.9)]. The same nucleotide change resulting in the same amino acid change has been previously reported as pathogenic/likely pathogenic with strong evidence (ClinVar ID: VCV000012524 /PMID: 16596670). The variant has been previously reported as de novo in a similarly affected individual (N/A). The variant has been observed in at least two similarly affected unrelated individuals (PMID: 18781618, 25521989, 25944730). Therefore, this variant is classified as Pathogenic according to the recommendation of ACMG/AMP guideline.

GeneDx
Classification: Pathogenic. Last evaluated: 2023-10-30. Review status: criteria provided, single submitter. Criteria: GeneDx Variant Classification Process June 2021. Collection method: clinical testing. Allele origin: germline. Affected: yes.
Comment: Published functional studies suggest that the S241L variant adversely affects the activation of TGFR1 by TGFR2 (PMID: 22414221); Not observed at significant frequency in large population cohorts (gnomAD); In silico analysis supports that this missense variant has a deleterious effect on protein structure/function; This variant is associated with the following publications: (PMID: 25521989, 23884466, 16791849, 18781618, 25944730, 21267002, 16928994, 27879313, 26133393, 18852674, 28209770, 28743916, 28152038, 31915033, 33822359, 32152251, 33436942, 30787465, 34916229, 34456093, 35586607, 35753512, 16596670, 22414221)

Labcorp Genetics (formerly Invitae), Labcorp
Classification: Pathogenic for Familial thoracic aortic aneurysm and aortic dissection. Last evaluated: 2023-05-15. Review status: criteria provided, single submitter. Criteria: Invitae Variant Classification Sherloc (09022015). Collection method: clinical testing. Allele origin: germline.
Comment: Advanced modeling of protein sequence and biophysical properties (such as structural, functional, and spatial information, amino acid conservation, physicochemical variation, residue mobility, and thermodynamic stability) performed at Invitae indicates that this missense variant is expected to disrupt TGFBR1 protein function. For these reasons, this variant has been classified as Pathogenic. Experimental studies have shown that this missense change affects TGFBR1 function (PMID: 22414221). ClinVar contains an entry for this variant (Variation ID: 12524). This missense change has been observed in individual(s) with Loeys-Dietz syndrome and Furlong syndrome and aortic dissection and clinical features of Loeys-Dietz syndrome (PMID: 16596670, 16791849, 18781618, 23884466, 25521989, 25944730, 28209770). In at least one individual the variant was observed to be de novo. This variant is not present in population databases (gnomAD no frequency). This sequence change replaces serine, which is neutral and polar, with leucine, which is neutral and non-polar, at codon 241 of the TGFBR1 protein (p.Ser241Leu).

Center of Excellence for Medical Genomics, Chulalongkorn University
Classification: Likely pathogenic for Loeys-Dietz syndrome 1. Last evaluated: 2022-10-05. Review status: criteria provided, single submitter. Criteria: ACMG Guidelines, 2015. Collection method: research. Allele origin: germline. Affected: yes.

Blueprint Genetics
Classification: Pathogenic for TGFBR1-related disorders. Last evaluated: 2019-10-09. Review status: criteria provided, single submitter. Criteria: ACMG Guidelines, 2015. Collection method: clinical testing. Allele origin: germline. Affected: yes. Observed: 1 variant allele.

Petrovsky National Research Centre of Surgery, The Federal Agency for Scientific Organizations
Classification: Pathogenic for Loeys-Dietz syndrome 1; Marfan syndrome. Last evaluated: 2019-08-28. Review status: criteria provided, single submitter. Criteria: ACMG Guidelines, 2015. Collection method: clinical testing. Allele origin: unknown. Inheritance: Autosomal dominant inheritance. Affected: yes. Observed: 1 heterozygote.
Comment: This variant is a known mutation associated with a Loeys-Dietz syndrome (PMID: 16596670, 16791849, 16928994, 27879313) and was also found in patients with colorectal cancer (PMID: 28743916) with a functional consequences of the variant. The S241L variant has a very low frequency (rs111854391). ClinVar has an entry for this variant (Variation ID: 12524). Based on this evidences the p.Ser241Leu is classified as Pathogenic.

Ambry Genetics
Classification: Likely pathogenic for Cardiovascular phenotype. Last evaluated: 2015-09-21. Review status: criteria provided, single submitter. Criteria: Ambry Autosomal Dominant and X-Linked criteria (10/2015). Collection method: clinical testing. Allele origin: germline. Observed: 1 variant allele.
Comment: The p.S241L variant (also known as c.722C>T), located in coding exon 4 of the TGFBR1 gene, results from a C to T substitution at nucleotide position 722. The serine at codon 241 is replaced by leucine, an amino acid with dissimilar properties. In one study, p.S241L was detected in two unrelated patients withMarfanoidhabitusanddysmorphiccraniofacialfeatures. One patient had normal intelligence and the other had learning difficulties;craniosynostosiswas present in one patient, but both had pronouncedcraniofacialfeatures. Both patients had aortic dilatation and scoliosis. The p.S241L alteration,located in theserine-threoninekinasedomain, was not detected in the parents of either patient (de novo), the sister of one patient, or 100 control individuals(Ad&egrave;sLC et al. Am J Med Genet A. 2006;140(10):1047-1058). It was also reported in multiple individuals affected by Loeys-Dietz syndrom(LoeysBLet al.NEnglJ Med. 2006;355(8):788-798;StheneurC et al, Hum.Mutat. 2008 Nov; 29(11):E284-95;NishidaK et al,PediatrInt 2014 Dec; 56(6):e82-5). With patient derived fibroblasts, it was shown that this variant cause decreased elastin and fibulin 1 mRNA expression, and also impaired the deposition of elastin, fibrillin 1 and fibulin 1 into elastic fibers (Barnett CP et al, Eur. J. Hum. Genet. 2011 Jun; 19(6):624-33). An in vitro study suggested the alteration negativelyaffected both the basal and TGF-beta induced Smad signaling (CardosoS et al, J.Recept. SignalTransduct. Res. 2012Jun; 32(3):150-5).This variant was previously reported in the SNPDatabase as rs111854391, butnot found in population-based cohorts in the following databases:NHLBIExomeSequencing Project (ESP) and 1000 Genomes Project. This amino acid position is highly conserved in available vertebrate species. In addition, the in silico prediction for this alteration is inconclusive. Based on the majority of available evidence to date, this variant is likely to be pathogenic.

Center for Genomics, Ann and Robert H. Lurie Children's Hospital of Chicago
Classification: Pathogenic for Multiple self-healing squamous epithelioma; Loeys-Dietz syndrome 1. Review status: criteria provided, single submitter. Criteria: ACMG Guidelines, 2015. Collection method: clinical testing. Allele origin: germline.
Comment: This variant has been reported in the literature in at least 10 individuals with clinical features suggestive of, or consistent with, Loeys-Dietz syndrome (Selected publications: Wooderchak-Donahue 2015 PIMD: 25944730; Jani 2020 PMID: 32152251; Yang 2020 PMID: 31915033; Nayak 2021 PMID: 33436942), and was found to segregate with disease in a mildly affected parent (Woolnough 2017 PMID: 28209770). In at least two individuals, the variant was determined to be de novo (Adès 2006 PMID: 16596670). This variant is not present in large control databases but is present in ClinVar, with multiple laboratories classifying it as pathogenic or likely pathogenic (Variation ID: 12524). Functional studies in vitro and in patient-derived fibroblasts demonstrate that this variant impacts protein function (Barnett 2011 PMID: 21267002; Cardoso 2012 PMID: 22414221). Evolutionary conservation and computational prediction tools support a deleterious effect of this variant. In summary, this variant is classified as pathogenic.

Clinical Genetics Service, Universitary Hospital 12 de Octubre
Classification: Pathogenic for Loeys-Dietz syndrome 1. Review status: criteria provided, single submitter. Criteria: ACMG Guidelines, 2015. Collection method: clinical testing. Allele origin: germline. Affected: yes.

Women's Health and Genetics/Laboratory Corporation of America, LabCorp
Classification: Pathogenic for Loeys-Dietz Syndrome. Last evaluated: 2015-04-03. Review status: no assertion criteria provided. Collection method: clinical testing. Allele origin: germline. Not counted in ClinVar's aggregate classification.

OMIM
Classification: Pathogenic for LOEYS-DIETZ SYNDROME 1. Last evaluated: 2006-05-15. Review status: no assertion criteria provided. Collection method: literature only. Allele origin: germline. Not counted in ClinVar's aggregate classification.

Literature cited by the submitters: PubMed 25944730 (cited by 3billion and Labcorp Genetics (formerly Invitae), Labcorp); PubMed 18781618 (cited by 3 submitters); PubMed 16596670 (cited by 5 submitters); PubMed 25521989 (cited by 3 submitters); PubMed 22414221 (cited by Labcorp Genetics (formerly Invitae), Labcorp and Ambry Genetics); PubMed 16791849 (cited by Labcorp Genetics (formerly Invitae), Labcorp and Ambry Genetics); PubMed 23884466 (cited by Labcorp Genetics (formerly Invitae), Labcorp); PubMed 28209770 (cited by Labcorp Genetics (formerly Invitae), Labcorp); PubMed 16928994 (cited by Ambry Genetics); PubMed 21267002 (cited by Ambry Genetics).

NM_004612.4(TGFBR1):c.722C>T (p.Ser241Leu)

Gene: TGFBR1 (transforming growth factor beta receptor 1; plus strand). Cytogenetic location: 9q22.33.
Variant type: single nucleotide variant.
Coding change: c.722C>T on transcript NM_004612.4 (MANE Select); coding-DNA position 722, C replaced by T.
Protein change: p.Ser241Leu; replaces serine 241 with leucine.
Molecular consequence: missense variant.
Genome position (GRCh38, 1-based): chr9:99,138,006, C>T. VCF-style: chr9-99138006-C-T. GRCh37 (hg19) VCF-style: chr9-101900288-C-T.
Other names: c.491C>T, p.Ser164Leu (NM_001130916.3); c.734C>T, p.Ser245Leu (NM_001306210.2); short protein forms S241L, S164L, S245L.
Identifiers: ClinVar variation 12524 (VCV000012524.21), dbSNP rs111854391, ClinGen allele CA008855.
Genomic context (GRCh38, chr9:99,138,006, plus strand): 5'-GAGGAAAGTGGCGGGGAGAAGAAGTTGCTGTTAAGATATTCTCCTCTAGAGAAGAACGTT[C>T]GTGGTTCCGTGAGGCAGAGATTTATCAAACTGTAATGTTACGTCATGAAAACATCCTGGG-3'
Protein context (NP_004603.1, residues 231-251): VKIFSSREER[Ser241Leu]WFREAEIYQT